The following is an entry in ClinVar:

NM_001378477.3(NYX):c.1225AGC[1] (p.Ser410del)

Gene: NYX (nyctalopin; plus strand). Cytogenetic location: Xp11.4.
Variant type: Microsatellite.
Coding change: c.1225AGC[1] on transcript NM_001378477.3 (MANE Select); one copy of the 3-base unit AGC starting at c.1225; the reference has two copies in a row; one copy, 3 bases deleted.
Protein change: p.Ser410del; deletes serine 410.
Molecular consequence: inframe deletion.
Genome position (GRCh38, 1-based): chrX:41,474,696-41,474,698, AGC deleted; deleting any 3 consecutive bases within chrX:41,474,692-41,474,698 gives the same sequence; the position shown is the placement nearest the transcript's 3' end. VCF-style (leftmost placement, unchanged base first): chrX-41474691-TCAG-T. GRCh37 (hg19) VCF-style: chrX-41333944-TCAG-T.
Other names: c.1225AGC[1], p.Ser410del (NM_022567.3); c.1243_1245delAGC (NM_022567.2); short protein forms S410del.
Identifiers: ClinVar variation 1504170 (VCV001504170.11), dbSNP rs770813743, ClinGen allele CA10389926.
Genomic context (GRCh38, chrX:41,474,691, plus strand): 5'-ACCTCACCACGTCCAGTCCAGGCCCGTCCCCAGAACCAGCGGCCACCACCGTGAGCAGGT[TCAG>T]CAGCCTCCTCTCCAAGCTGCTGGCCCCGAGGGTCCCGGTGGAGGAGGCGGCCAACACCAC-3'

ClinVar aggregate classification (germline): Likely benign. Review status: criteria provided, multiple submitters, no conflicts (2 of 4 stars). 3 submissions from 3 submitters: Likely benign (2). 1 of the submissions does not count toward it. Last evaluated 2025-09-19.

Conditions:
NYX-related disorder. Also called: NYX-related condition.

Submissions (3):

Labcorp Genetics (formerly Invitae), Labcorp
Classification: Likely benign. Last evaluated: 2025-09-19. Review status: criteria provided, single submitter. Criteria: Invitae Variant Classification Sherloc (09022015). Collection method: clinical testing. Allele origin: germline.

Blueprint Genetics
Classification: Likely benign. Last evaluated: 2022-10-27. Review status: criteria provided, single submitter. Criteria: ACMG Guidelines, 2015. Collection method: clinical testing. Allele origin: germline.

PreventionGenetics, part of Exact Sciences
Classification: Likely benign for NYX-related condition. Last evaluated: 2024-09-24. Review status: no assertion criteria provided. Collection method: clinical testing. Allele origin: germline. Not counted in ClinVar's aggregate classification.
Comment: This variant is classified as likely benign based on ACMG/AMP sequence variant interpretation guidelines (Richards et al. 2015 PMID: 25741868, with internal and published modifications).